The following is an entry in ClinVar:

ClinVar aggregate classification (germline): Uncertain significance (1 of 4 stars; one submission).

Conditions:
Neuroblastoma, susceptibility to, 3. Also called: ALK-Related Neuroblastic Tumor Susceptibility. Identifiers: Orphanet 635, MedGen C2751681, MONDO:0013083, OMIM 613014.

Allele frequency attached by ClinVar (database versions not stated): gnomAD exomes below 0.00001.
gnomAD v4.1: 1 of 1,614,074 alleles (0.000062%); highest among the groups gnomAD compares: Non-Finnish European, 0.000085%; no homozygotes.

Submission:

Labcorp Genetics (formerly Invitae), Labcorp
Classification: Uncertain significance for Neuroblastoma, susceptibility to, 3. Last evaluated: 2026-01-14. Review status: criteria provided, single submitter. Criteria: Invitae Variant Classification Sherloc (09022015). Collection method: clinical testing. Allele origin: germline.
Comment: This sequence change replaces glycine, which is neutral and non-polar, with arginine, which is basic and polar, at codon 428 of the ALK protein (p.Gly428Arg). This variant also falls at the last nucleotide of exon 5, which is part of the consensus splice site for this exon. This variant is not present in population databases (gnomAD no frequency). This variant has not been reported in the literature in individuals affected with ALK-related conditions. ClinVar contains an entry for this variant (Variation ID: 660816). An algorithm developed to predict the effect of missense changes on protein structure and function (PolyPhen-2) suggests that this variant is likely to be disruptive. Variants that disrupt the consensus splice site are a relatively common cause of aberrant splicing (PMID: 17576681, 9536098). Algorithms developed to predict the effect of sequence changes on RNA splicing suggest that this variant may disrupt the consensus splice site. In summary, the available evidence is currently insufficient to determine the role of this variant in disease. Therefore, it has been classified as a Variant of Uncertain Significance.

Literature cited by the submitters: PubMed 17576681; PubMed 9536098.

NM_004304.5(ALK):c.1282G>A (p.Gly428Arg)

Gene: ALK (ALK receptor tyrosine kinase; minus strand). Cytogenetic location: 2p23.2.
Variant type: single nucleotide variant.
Coding change: c.1282G>A on transcript NM_004304.5 (MANE Select); coding-DNA position 1282, G replaced by A.
Protein change: p.Gly428Arg; replaces glycine 428 with arginine.
Molecular consequence: missense variant.
Genome position (GRCh38, 1-based): chr2:29,383,732, C>T on the plus strand (G>A on the coding strand, the complement: ALK is on the minus strand). VCF-style: chr2-29383732-C-T. GRCh37 (hg19) VCF-style: chr2-29606598-C-T.
Other names: short protein forms G428R.
Identifiers: ClinVar variation 660816 (VCV000660816.8), dbSNP rs1573303300, ClinGen allele CA346584995.
Genomic context (GRCh38, chr2:29,383,732, plus strand): 5'-TTATTGACACATCTAACACAATAGGCTACCAAGGAGCGTGGGAAAGCCAGATTCAGATAC[C>T]TTCACTGCAGTTCTTCAGGGCAAAGAAGTCCACTGCAGACAAGCTGCGGTTTCCACTGGA-3'
Protein context (NP_004295.2, residues 418-438): DFFALKNCSE[Gly428Arg]TSPGSKMALQ